The following is an entry in ClinVar:

NM_001103.4(ACTN2):c.2496C>T (p.Ile832=)

Gene: ACTN2 (actinin alpha 2; plus strand). Cytogenetic location: 1q43.
Variant type: single nucleotide variant.
Coding change: c.2496C>T on transcript NM_001103.4 (MANE Select); coding-DNA position 2496, C replaced by T.
Protein change: p.Ile832=; no amino-acid change (isoleucine 832 retained).
Molecular consequence: synonymous variant.
Genome position (GRCh38, 1-based): chr1:236,761,143, C>T. VCF-style: chr1-236761143-C-T. GRCh37 (hg19) VCF-style: chr1-236924443-C-T.
Other names: c.2496C>T, p.Ile832= (NM_001278343.2); c.1872C>T, p.Ile624= (NM_001278344.2).
Identifiers: ClinVar variation 215782 (VCV000215782.14), dbSNP rs189019392, ClinGen allele CA338519.
Genomic context (GRCh38, chr1:236,761,143, plus strand): 5'-ATCCTTCATCGACTTCATGACTAGAGAGACGGCTGACACCGACACTGCCGAGCAGGTCAT[C>T]GCCTCCTTCCGGATCCTGGCTTCTGATAAGGTCTGCATTGACAGATTTCCTTCTGCTTTA-3'
Protein context (NP_001094.1, residues 822-842): TADTDTAEQV[Ile832=]ASFRILASDK

ClinVar aggregate classification (germline): Conflicting classifications of pathogenicity. Review status: criteria provided, conflicting classifications (1 of 4 stars). 3 submissions from 3 submitters: Uncertain significance (1); Likely benign (2). Last evaluated 2025-12-15.

Conditions:
Cardiovascular phenotype. Identifiers: MedGen CN230736.
Dilated cardiomyopathy 1AA (CMD1AA). Also called: Cardiomyopathy, dilated, 1AA, with or without LVNC; CARDIOMYOPATHY, DILATED, 1AA, WITH OR WITHOUT LEFT VENTRICULAR NONCOMPACTION; CARDIOMYOPATHY, FAMILIAL HYPERTROPHIC, 23, WITH OR WITHOUT LEFT VENTRICULAR NONCOMPACTION. Identifiers: Orphanet 154, MedGen C2677338, MONDO:0012808, OMIM 612158.
Primary familial hypertrophic cardiomyopathy (HCM). Identifiers: Orphanet 99739, MedGen C0949658, MeSH D024741, MONDO:0024573. Inheritance: Various modes of inheritance.

Allele frequency attached by ClinVar (database versions not stated): TOPMed below 0.00001; gnomAD exomes 0.00001 and 0.00004; gnomAD 0.00002 and 0.00003; ExAC 0.00004; 1000 Genomes Project 0.00040; 1000 Genomes Project 30x 0.00078.
gnomAD v4.1: 22 of 1,614,164 alleles (0.0014%); highest among the groups gnomAD compares: East Asian, 0.02%; no homozygotes.

Submissions (3):

Labcorp Genetics (formerly Invitae), Labcorp
Classification: Likely benign for Primary familial hypertrophic cardiomyopathy; Dilated cardiomyopathy 1AA. Last evaluated: 2025-12-15. Review status: criteria provided, single submitter. Criteria: Invitae Variant Classification Sherloc (09022015). Collection method: clinical testing. Allele origin: germline.

GeneDx
Classification: Uncertain significance. Last evaluated: 2023-02-16. Review status: criteria provided, single submitter. Criteria: GeneDx Variant Classification Process June 2021. Collection method: clinical testing. Allele origin: germline. Affected: yes.
Comment: Has not been previously published as pathogenic or benign to our knowledge; In silico analysis supports a deleterious effect on splicing

Ambry Genetics
Classification: Likely benign for Cardiovascular phenotype. Last evaluated: 2018-09-14. Review status: criteria provided, single submitter. Criteria: Ambry Variant Classification Scheme 2023. Collection method: clinical testing. Allele origin: germline.